The following is an entry in ClinVar:

NM_198578.4(LRRK2):c.3968A>C (p.Gln1323Pro)

Gene: LRRK2 (leucine rich repeat kinase 2; plus strand). Cytogenetic location: 12q12.
Variant type: single nucleotide variant.
Coding change: c.3968A>C on transcript NM_198578.4 (MANE Select); coding-DNA position 3968, A replaced by C.
Protein change: p.Gln1323Pro; replaces glutamine 1323 with proline.
Molecular consequence: missense variant.
Genome position (GRCh38, 1-based): chr12:40,308,475, A>C. VCF-style: chr12-40308475-A-C. GRCh37 (hg19) VCF-style: chr12-40702277-A-C.
Other names: short protein forms Q1323P.
Identifiers: ClinVar variation 3639569 (VCV003639569.2).

ClinVar aggregate classification (germline): Uncertain significance (1 of 4 stars; one submission).

Conditions:
Autosomal dominant Parkinson disease 8. Also called: LRRK2-Related Parkinson Disease; Parkinson disease 8; Parkinson disease 8, susceptibility to. Identifiers: Orphanet 411602, MedGen C1846862, MONDO:0011764, OMIM 607060.

gnomAD v4.1: 1 of 1,613,300 alleles (0.000062%); highest among the groups gnomAD compares: South Asian, 0.0011%; no homozygotes.

Submission:

Labcorp Genetics (formerly Invitae), Labcorp
Classification: Uncertain significance for Autosomal dominant Parkinson disease 8. Last evaluated: 2024-02-14. Review status: criteria provided, single submitter. Criteria: Invitae Variant Classification Sherloc (09022015). Collection method: clinical testing. Allele origin: germline.
Comment: This sequence change replaces glutamine, which is neutral and polar, with proline, which is neutral and non-polar, at codon 1323 of the LRRK2 protein (p.Gln1323Pro). This variant is not present in population databases (gnomAD no frequency). This variant has not been reported in the literature in individuals affected with LRRK2-related conditions. Advanced modeling of protein sequence and biophysical properties (such as structural, functional, and spatial information, amino acid conservation, physicochemical variation, residue mobility, and thermodynamic stability) has been performed at Invitae for this missense variant, however the output from this modeling did not meet the statistical confidence thresholds required to predict the impact of this variant on LRRK2 protein function. In summary, the available evidence is currently insufficient to determine the role of this variant in disease. Therefore, it has been classified as a Variant of Uncertain Significance.